The following is an entry in ClinVar:

ClinVar aggregate classification (germline): Uncertain significance (1 of 4 stars; one submission).

Submission:

Labcorp Genetics (formerly Invitae), Labcorp
Classification: Uncertain significance. Last evaluated: 2023-07-03. Review status: criteria provided, single submitter. Criteria: Invitae Variant Classification Sherloc (09022015). Collection method: clinical testing. Allele origin: germline.
Comment: In summary, the available evidence is currently insufficient to determine the role of this variant in disease. Therefore, it has been classified as a Variant of Uncertain Significance. Advanced modeling of protein sequence and biophysical properties (such as structural, functional, and spatial information, amino acid conservation, physicochemical variation, residue mobility, and thermodynamic stability) performed at Invitae indicates that this missense variant is not expected to disrupt LZTR1 protein function. This variant has not been reported in the literature in individuals affected with LZTR1-related conditions. This variant is not present in population databases (gnomAD no frequency). This sequence change replaces threonine, which is neutral and polar, with isoleucine, which is neutral and non-polar, at codon 72 of the LZTR1 protein (p.Thr72Ile).

NM_006767.4(LZTR1):c.215C>T (p.Thr72Ile)

Gene: LZTR1 (leucine zipper like post translational regulator 1; plus strand). Cytogenetic location: 22q11.21.
Variant type: single nucleotide variant.
Coding change: c.215C>T on transcript NM_006767.4 (MANE Select); coding-DNA position 215, C replaced by T.
Protein change: p.Thr72Ile; replaces threonine 72 with isoleucine.
Molecular consequence: missense variant.
Genome position (GRCh38, 1-based): chr22:20,983,041, C>T. VCF-style: chr22-20983041-C-T. GRCh37 (hg19) VCF-style: chr22-21337330-C-T.
Other names: short protein forms T72I.
Identifiers: ClinVar variation 2793850 (VCV002793850.3), dbSNP rs2518608593, ClinGen allele CA410778294.